The following is an entry in ClinVar:

ClinVar aggregate classification (germline): Uncertain significance. Review status: criteria provided, multiple submitters, no conflicts (2 of 4 stars). 2 submissions from 2 submitters: Uncertain significance (2). Last evaluated 2022-09-01.

Conditions:
Cardiovascular phenotype. Identifiers: MedGen CN230736.
Alstrom syndrome (ALMS). Identifiers: Orphanet 64, MedGen C0268425, MONDO:0008763, OMIM 203800.

Allele frequency attached by ClinVar (database versions not stated): gnomAD exomes below 0.00001; gnomAD 0.00002; TOPMed 0.00002.
gnomAD v4.1: 4 of 1,613,914 alleles (0.00025%); highest among the groups gnomAD compares: African/African-American, 0.0053%; no homozygotes.

Submissions (2):

Labcorp Genetics (formerly Invitae), Labcorp
Classification: Uncertain significance for Alstrom syndrome. Last evaluated: 2022-09-01. Review status: criteria provided, single submitter. Criteria: Invitae Variant Classification Sherloc (09022015). Collection method: clinical testing. Allele origin: germline.
Comment: This sequence change replaces leucine, which is neutral and non-polar, with isoleucine, which is neutral and non-polar, at codon 2877 of the ALMS1 protein (p.Leu2877Ile). This variant is present in population databases (no rsID available, gnomAD 0.008%). This variant has not been reported in the literature in individuals affected with ALMS1-related conditions. ClinVar contains an entry for this variant (Variation ID: 1404107). Experimental studies and prediction algorithms are not available or were not evaluated, and the functional significance of this variant is currently unknown. In summary, the available evidence is currently insufficient to determine the role of this variant in disease. Therefore, it has been classified as a Variant of Uncertain Significance.

Ambry Genetics
Classification: Uncertain significance for Cardiovascular phenotype. Last evaluated: 2020-02-20. Review status: criteria provided, single submitter. Criteria: Ambry Variant Classification Scheme 2023. Collection method: clinical testing. Allele origin: germline.
Comment: The p.L2877I variant (also known as c.8629C>A), located in coding exon 10 of the ALMS1 gene, results from a C to A substitution at nucleotide position 8629. The leucine at codon 2877 is replaced by isoleucine, an amino acid with highly similar properties. This amino acid position is well conserved in available vertebrate species; however, isoleucine is the reference amino acid in other vertebrate species. In addition, this alteration is predicted to be tolerated by in silico analysis. Since supporting evidence is limited at this time, the clinical significance of this alteration remains unclear.

NM_001378454.1(ALMS1):c.8626C>A (p.Leu2876Ile)

Gene: ALMS1 (ALMS1 centrosome and basal body associated protein; plus strand). Cytogenetic location: 2p13.1.
Variant type: single nucleotide variant.
Coding change: c.8626C>A on transcript NM_001378454.1 (MANE Select); coding-DNA position 8626, C replaced by A.
Protein change: p.Leu2876Ile; replaces leucine 2876 with isoleucine.
Molecular consequence: missense variant.
Genome position (GRCh38, 1-based): chr2:73,490,585, C>A. VCF-style: chr2-73490585-C-A. GRCh37 (hg19) VCF-style: chr2-73717712-C-A.
Other names: c.8629C>A, p.Leu2877Ile (NM_015120.4); short protein forms L2876I, L2877I.
Identifiers: ClinVar variation 1404107 (VCV001404107.5), dbSNP rs1447116062, ClinGen allele CA347269783.